The following is an entry in ClinVar:

NM_033305.3(VPS13A):c.4715dup (p.Asn1572fs)

Gene: VPS13A (vacuolar protein sorting 13 homolog A; plus strand). Cytogenetic location: 9q21.2.
Variant type: Duplication.
Coding change: c.4715dup on transcript NM_033305.3 (MANE Select); coding-DNA position 4715, one base duplicated (A; older notation c.4715dupA).
Protein change: p.Asn1572fs; shifts the reading frame from asparagine 1572.
Molecular consequence: frameshift variant.
Genome position (GRCh38, 1-based): chr9:77,316,258, A duplicated; the last of 6 consecutive A bases (chr9:77,316,253-77,316,258); duplicating any one gives the same sequence. VCF-style (leftmost placement, unchanged base first): chr9-77316252-C-CA. GRCh37 (hg19) VCF-style: chr9-79931168-C-CA.
Other names: c.4598dup, p.Asn1533fs (NM_001018037.2); c.4715dup, p.Asn1572fs (NM_001018038.3, NM_015186.4); short protein forms N1572fs, N1533fs.
Identifiers: ClinVar variation 2116469 (VCV002116469.4), dbSNP rs2131432786, ClinGen allele CA2580080757.

ClinVar aggregate classification (germline): Pathogenic (1 of 4 stars; one submission).

Submission:

Labcorp Genetics (formerly Invitae), Labcorp
Classification: Pathogenic. Last evaluated: 2023-08-14. Review status: criteria provided, single submitter. Criteria: Invitae Variant Classification Sherloc (09022015). Collection method: clinical testing. Allele origin: germline.
Comment: For these reasons, this variant has been classified as Pathogenic. ClinVar contains an entry for this variant (Variation ID: 2116469). This variant has not been reported in the literature in individuals affected with VPS13A-related conditions. This variant is not present in population databases (gnomAD no frequency). This sequence change creates a premature translational stop signal (p.Asn1572Lysfs*2) in the VPS13A gene. It is expected to result in an absent or disrupted protein product. Loss-of-function variants in VPS13A are known to be pathogenic (PMID: 12404112, 21598378).

Literature cited by the submitters: PubMed 12404112; PubMed 21598378.